The following is an entry in ClinVar:

ClinVar aggregate classification (germline): Likely pathogenic (1 of 4 stars; one submission).

Conditions:
Hypercholesterolemia, autosomal dominant, type B (FHCL2). Also called: Hyperlipoproteinemia Type IIb; Familial Hypercholesterolemia Type B; APOLIPOPROTEIN B-100, FAMILIAL DEFECTIVE; APOLIPOPROTEIN B-100, FAMILIAL LIGAND-DEFECTIVE; Familial hypercholesterolemia 2; APOB-Related Familial Hypercholesterolemia, Autosomal Dominant. Identifiers: MedGen C1704417, MONDO:0007751, OMIM 144010.
Familial hypobetalipoproteinemia 1. Also called: Hypobetalipoproteinemia, normotriglyceridemic; Acanthocytosis with hypobetalipoproteinemia; APOB-Related Familial Hypobetalipoproteinemia. Identifiers: MedGen C4551990, MONDO:0014252, OMIM 615558.

Submission:

Labcorp Genetics (formerly Invitae), Labcorp
Classification: Likely pathogenic for Familial hypobetalipoproteinemia 1; Hypercholesterolemia, autosomal dominant, type B. Last evaluated: 2018-05-03. Review status: criteria provided, single submitter. Criteria: Invitae Variant Classification Sherloc (09022015). Collection method: clinical testing. Allele origin: germline.
Comment: In summary, the currently available evidence indicates that the variant is pathogenic, but additional data are needed to prove that conclusively. Therefore, this variant has been classified as Likely Pathogenic. Donor and acceptor splice site variants typically lead to a loss of protein function (PMID: 16199547), and loss-of-function variants in APOB are known to be pathogenic (PMID: 20032471). This variant has not been reported in the literature in individuals with APOB-related disease. This variant is not present in population databases (ExAC no frequency). This sequence change affects an acceptor splice site in intron 26 of the APOB gene. It is expected to disrupt RNA splicing and likely results in an absent or disrupted protein product.

Literature cited by the submitters: PubMed 16199547; PubMed 20032471.

NM_000384.3(APOB):c.11789-1G>C

Gene: APOB (apolipoprotein B; minus strand). Cytogenetic location: 2p24.1.
Variant type: single nucleotide variant.
Coding change: c.11789-1G>C on transcript NM_000384.3 (MANE Select); the canonical splice acceptor site of the intron before coding-DNA position 11789, G replaced by C.
Molecular consequence: splice acceptor variant.
Genome position (GRCh38, 1-based): chr2:21,004,676, C>G on the plus strand (G>C on the coding strand, the complement: APOB is on the minus strand). VCF-style: chr2-21004676-C-G. GRCh37 (hg19) VCF-style: chr2-21227548-C-G.
Identifiers: ClinVar variation 580451 (VCV000580451.9), dbSNP rs1558560212, ClinGen allele CA345976968.
Genomic context (GRCh38, chr2:21,004,676, plus strand): 5'-CAAATGTTCCTTTAGTCTTAGAGGCTAACGTACCATCTTCGATTTTGTGTGTTCCCAAAA[C>G]TGTATAGGAGAGATTTTGTATTTTATTAGATTCATAACAGTAGGACGTTGATGTTTTCAT-3'